The following is an entry in ClinVar:

ClinVar aggregate classification (germline): Pathogenic (1 of 4 stars; one submission).

Conditions:
Nemaline myopathy 2 (NEM2). Also called: Nemaline myopathy 2, autosomal recessive. Identifiers: MedGen C1850569, MONDO:0009725, OMIM 256030.

Submission:

Myriad Genetics, Inc.
Classification: Pathogenic for Nemaline myopathy 2. Last evaluated: 2026-01-01. Review status: criteria provided, single submitter. Criteria: Myriad Autosomal Dominant, Autosomal Recessive and X-Linked Classification Criteria (2023). Collection method: clinical testing. Allele origin: unknown.
Comment: NM_001271208.1(NEB):c.20091delG(Y6698Ifs*32) is expected to be pathogenic in the context of NEB-related nemaline myopathy. This variant is predicted to lead to an abnormal or absent protein product due to the creation of a premature termination codon in NEB, a gene where loss-of-function variants are known to be pathogenic. Please note: this variant was assessed in the context of healthy population screening.

NM_001164508.2(NEB):c.20091del (p.Tyr6698fs)

Gene: NEB (nebulin; minus strand). Cytogenetic location: 2q23.3.
Variant type: Deletion.
Coding change: c.20091del on transcript NM_001164508.2 (MANE Select); coding-DNA position 20091, one base deleted (G; older notation c.20091delG).
Protein change: p.Tyr6698fs; shifts the reading frame from tyrosine 6698.
Molecular consequence: frameshift variant.
Genome position (GRCh38, 1-based): chr2:151,548,374, C deleted on the plus strand (G on the coding strand, the reverse complement: NEB is on the minus strand); the first of 3 consecutive C bases (chr2:151,548,374-151,548,376); deleting any one gives the same sequence. VCF-style (leftmost placement, unchanged base first): chr2-151548373-AC-A. GRCh37 (hg19) VCF-style: chr2-152404887-AC-A.
Other names: c.20091del, p.Tyr6698fs (NM_001164507.2, NM_001271208.2); c.14988del, p.Tyr4997fs (NM_004543.5); short protein forms Y4997fs, Y6698fs.
Identifiers: ClinVar variation 5015378 (VCV005015378.1).